The following is an entry in ClinVar:

NM_002474.3(MYH11):c.5462_5482del (p.Ala1821_Glu1827del)

Genes: MYH11 (myosin heavy chain 11; minus strand), NDE1 (nudE neurodevelopment protein 1; plus strand). Cytogenetic location: 16p13.11.
Variant type: Deletion.
Coding change: c.5462_5482del on transcript NM_002474.3 (MANE Select); coding-DNA positions 5462 to 5482, 21 bases deleted (CCAAGATTGCACAGCTGGAGG).
Protein change: p.Ala1821_Glu1827del.
Molecular consequence: inframe deletion. On other transcripts: intron variant (2).
Genome position (GRCh38, 1-based): chr16:15,717,162-15,717,182, CCTCCAGCTGTGCAATCTTGG deleted on the plus strand (CCAAGATTGCACAGCTGGAGG on the coding strand, the reverse complement: MYH11 is on the minus strand); deleting any 21 consecutive bases within chr16:15,717,162-15,717,190 gives the same sequence; the c. name uses the placement nearest the transcript's 3' end. VCF-style (leftmost placement, unchanged base first): chr16-15717161-TCCTCCAGCTGTGCAATCTTGG-T. GRCh37 (hg19) VCF-style: chr16-15811018-TCCTCCAGCTGTGCAATCTTGG-T.
Other names: c.5483_5503del, p.Ala1828_Glu1834del (NM_001040113.2, NM_001040114.2); c.5462_5482del, p.Ala1821_Glu1827del (NM_022844.3); c.948-7021_948-7001del (NM_001143979.2, NM_017668.3).
Identifiers: ClinVar variation 857718 (VCV000857718.8), dbSNP rs2040199092, ClinGen allele CA916083488.

ClinVar aggregate classification (germline): Uncertain significance (1 of 4 stars; one submission).

Conditions:
Aortic aneurysm, familial thoracic 4 (AAT4). Also called: AORTIC ANEURYSM/AORTIC DISSECTION AND PATENT DUCTUS ARTERIOSUS. Identifiers: MedGen C1851504, MONDO:0007568, OMIM 132900.

Submission:

Labcorp Genetics (formerly Invitae), Labcorp
Classification: Uncertain significance for Aortic aneurysm, familial thoracic 4. Last evaluated: 2019-02-14. Review status: criteria provided, single submitter. Criteria: Invitae Variant Classification Sherloc (09022015). Collection method: clinical testing. Allele origin: germline.
Comment: In summary, the available evidence is currently insufficient to determine the role of this variant in disease. Therefore, it has been classified as a Variant of Uncertain Significance. Experimental studies and prediction algorithms are not available for this variant, and the functional significance of the affected amino acid(s) is currently unknown. This variant is not present in population databases (ExAC no frequency). This variant, c.5483_5503del, results in the deletion of 7 amino acid(s) of the MYH11 protein (p.Ala1828_Glu1834del), but otherwise preserves the integrity of the reading frame.